The following is an entry in ClinVar:

ClinVar aggregate classification (germline): Uncertain significance (1 of 4 stars; one submission).

Submission:

GeneDx
Classification: Uncertain significance. Last evaluated: 2021-02-01. Review status: criteria provided, single submitter. Criteria: GeneDx Variant Classification Process June 2021. Collection method: clinical testing. Allele origin: germline. Affected: yes.
Comment: Not observed in large population cohorts (Lek et al., 2016); In silico analysis supports that this missense variant has a deleterious effect on protein structure/function; Has not been previously published as pathogenic or benign to our knowledge

NM_001330078.2(NRXN1):c.1994C>A (p.Thr665Asn)

Gene: NRXN1 (neurexin 1; minus strand). Cytogenetic location: 2p16.3.
Variant type: single nucleotide variant.
Coding change: c.1994C>A on transcript NM_001330078.2 (MANE Select); coding-DNA position 1994, C replaced by A.
Protein change: p.Thr665Asn; replaces threonine 665 with asparagine.
Molecular consequence: missense variant.
Genome position (GRCh38, 1-based): chr2:50,538,402, G>T on the plus strand (C>A on the coding strand, the complement: NRXN1 is on the minus strand). VCF-style: chr2-50538402-G-T. GRCh37 (hg19) VCF-style: chr2-50765540-G-T.
Other names: c.2114C>A, p.Thr705Asn (NM_001135659.3); c.1970C>A, p.Thr657Asn (NM_001330077.2, NM_001330082.2, NM_001330095.2); c.1955C>A, p.Thr652Asn (NM_001330083.2, NM_001330084.2); c.1994C>A, p.Thr665Asn (NM_001330085.2, NM_001330086.2, NM_004801.6); c.1910C>A, p.Thr637Asn (NM_001330087.2, NM_001330096.2); c.1940C>A, p.Thr647Asn (NM_001330088.2); c.1991C>A, p.Thr664Asn (NM_001330093.2); c.1982C>A, p.Thr661Asn (NM_001330094.2); short protein forms T637N, T647N, T652N, T657N, T661N, T664N, T665N, T705N.
Identifiers: ClinVar variation 1318452 (VCV001318452.2), dbSNP rs1217472819, ClinGen allele CA346770632.